The following is an entry in ClinVar:

NM_020778.5(ALPK3):c.3294G>C (p.Glu1098Asp)

Gene: ALPK3 (alpha kinase 3; plus strand). Cytogenetic location: 15q25.3.
Variant type: single nucleotide variant.
Coding change: c.3294G>C on transcript NM_020778.5 (MANE Select); coding-DNA position 3294, G replaced by C.
Protein change: p.Glu1098Asp; replaces glutamic acid 1098 with aspartic acid.
Molecular consequence: missense variant.
Genome position (GRCh38, 1-based): chr15:84,858,032, G>C. VCF-style: chr15-84858032-G-C. GRCh37 (hg19) VCF-style: chr15-85401263-G-C.
Other names: short protein forms E1098D.
Identifiers: ClinVar variation 4740614 (VCV004740614.1).

ClinVar aggregate classification (germline): Uncertain significance (1 of 4 stars; one submission).

Submission:

Labcorp Genetics (formerly Invitae), Labcorp
Classification: Uncertain significance. Last evaluated: 2025-04-09. Review status: criteria provided, single submitter. Criteria: Invitae Variant Classification Sherloc (09022015). Collection method: clinical testing. Allele origin: germline.
Comment: This sequence change replaces glutamic acid, which is acidic and polar, with aspartic acid, which is acidic and polar, at codon 1300 of the ALPK3 protein (p.Glu1300Asp). This variant is not present in population databases (gnomAD no frequency). This variant has not been reported in the literature in individuals affected with ALPK3-related conditions. Invitae Evidence Modeling of protein sequence and biophysical properties (such as structural, functional, and spatial information, amino acid conservation, physicochemical variation, residue mobility, and thermodynamic stability) indicates that this missense variant is not expected to disrupt ALPK3 protein function with a negative predictive value of 80%. In summary, the available evidence is currently insufficient to determine the role of this variant in disease. Therefore, it has been classified as a Variant of Uncertain Significance.